The following is an entry in ClinVar:

ClinVar aggregate classification (germline): Uncertain significance. Review status: criteria provided, multiple submitters, no conflicts (2 of 4 stars). 2 submissions from 2 submitters: Uncertain significance (2). Last evaluated 2025-06-30.

gnomAD v4.1: 19 of 1,611,840 alleles (0.0012%); highest among the groups gnomAD compares: African/African-American, 0.02%; no homozygotes.

Submissions (2):

Labcorp Genetics (formerly Invitae), Labcorp
Classification: Uncertain significance. Last evaluated: 2025-06-30. Review status: criteria provided, single submitter. Criteria: Invitae Variant Classification Sherloc (09022015). Collection method: clinical testing. Allele origin: germline.
Comment: This sequence change replaces proline, which is neutral and non-polar, with alanine, which is neutral and non-polar, at codon 786 of the ZNF341 protein (p.Pro786Ala). This variant is present in population databases (rs368551096, gnomAD 0.03%). This variant has not been reported in the literature in individuals affected with ZNF341-related conditions. ClinVar contains an entry for this variant (Variation ID: 3820566). An algorithm developed to predict the effect of missense changes on protein structure and function (PolyPhen-2) suggests that this variant is likely to be tolerated. In summary, the available evidence is currently insufficient to determine the role of this variant in disease. Therefore, it has been classified as a Variant of Uncertain Significance.

Ambry Genetics
Classification: Uncertain significance. Last evaluated: 2025-01-09. Review status: criteria provided, single submitter. Criteria: Ambry Variant Classification Scheme 2023. Collection method: clinical testing. Allele origin: germline.

NM_001282933.2(ZNF341):c.2377C>G (p.Pro793Ala)

Genes: ZNF341 (zinc finger protein 341; plus strand), ZNF341-AS1 (ZNF341 antisense RNA 1; minus strand). Cytogenetic location: 20q11.22.
Variant type: single nucleotide variant.
Coding change: c.2377C>G on transcript NM_001282933.2 (MANE Select); coding-DNA position 2377, C replaced by G.
Protein change: p.Pro793Ala; replaces proline 793 with alanine.
Molecular consequence: missense variant. On other transcripts: non-coding transcript variant (1).
Genome position (GRCh38, 1-based): chr20:33,791,329, C>G. VCF-style: chr20-33791329-C-G. GRCh37 (hg19) VCF-style: chr20-32379135-C-G.
Other names: c.2107C>G, p.Pro703Ala (NM_001282935.2); c.2356C>G, p.Pro786Ala (NM_032819.5); short protein forms P703A, P786A, P793A.
Identifiers: ClinVar variation 3820566 (VCV003820566.2).